The following is an entry in ClinVar:

ClinVar aggregate classification (germline): Likely pathogenic (1 of 4 stars; one submission).

Conditions:
CSS12 + schizoaffective disorder, bipolar type/adult-onset psychiatric condition.

Submission:

Wendy Chung Laboratory, Boston Children's Hospital
Classification: Likely pathogenic for CSS12 + schizoaffective disorder, bipolar type/adult-onset psychiatric condition. Last evaluated: 2024-03-27. Review status: criteria provided, single submitter. Criteria: ACMG Guidelines, 2015. Collection method: clinical testing. Allele origin: unknown. Inheritance: Autosomal dominant inheritance. Affected: yes. Observed: 1 heterozygote.
Comment: The Leu637Argfs*87 variant in BICRA is a frameshift variant predicted to cause loss of function. Rare variants in this gene, including at least 8 loss of function variants, have been identified in at least 10 other individuals with Coffin-Siris syndrome 12 (OMIM: 619325) (PMID:33232675). The variant is absent from gnomAD (v4.0) and presumed de novo but parental DNA was not available for testing. In summary, the Leu637Argfs*87 variant meets ACMG/AMP criteria to be classified as likely pathogenic for BICRA-related developmental disorder/Coffin-Siris syndrome based on the variant type and absence from a large population database.

Literature cited by the submitters: PubMed 33232675.

NM_001394372.1(BICRA):c.1910del (p.Leu637fs)

Gene: BICRA (BRD4 interacting chromatin remodeling complex associated protein; plus strand). Cytogenetic location: 19q13.33.
Variant type: Deletion.
Coding change: c.1910del on transcript NM_001394372.1 (MANE Select); coding-DNA position 1910, one base deleted (T; older notation c.1910delT).
Protein change: p.Leu637fs; shifts the reading frame from leucine 637.
Molecular consequence: frameshift variant.
Genome position (GRCh38, 1-based): chr19:47,681,080, T deleted. VCF-style (leftmost placement, unchanged base first): chr19-47681079-CT-C. GRCh37 (hg19) VCF-style: chr19-48184336-CT-C.
Other names: c.1910del, p.Leu637fs (NM_015711.3); short protein forms L637fs.
Identifiers: ClinVar variation 3148957 (VCV003148957.2).